The following is an entry in ClinVar:

ClinVar aggregate classification (germline): Uncertain significance (1 of 4 stars; one submission).

Conditions:
Inborn genetic diseases. Identifiers: MedGen C0950123, MeSH D030342.

gnomAD v4.1: 1 of 1,558,662 alleles (0.000064%); highest among the groups gnomAD compares: South Asian, 0.0011%; no homozygotes.

Submission:

Ambry Genetics
Classification: Uncertain significance for Inborn genetic diseases. Last evaluated: 2024-11-04. Review status: criteria provided, single submitter. Criteria: Ambry Variant Classification Scheme 2023. Collection method: clinical testing. Allele origin: germline.
Comment: The p.R1611K variant (also known as c.4832G>A), located in coding exon 27 of the ATR gene, results from a G to A substitution at nucleotide position 4832. The arginine at codon 1611 is replaced by lysine, an amino acid with highly similar properties. This amino acid position is conserved. In addition, this alteration is predicted to be tolerated by in silico analysis. Based on the available evidence, the clinical significance of this variant remains unclear.

NM_001184.4(ATR):c.4832G>A (p.Arg1611Lys)

Gene: ATR (ATR serine/threonine kinase; minus strand). Cytogenetic location: 3q23.
Variant type: single nucleotide variant.
Coding change: c.4832G>A on transcript NM_001184.4 (MANE Select); coding-DNA position 4832, G replaced by A.
Protein change: p.Arg1611Lys; replaces arginine 1611 with lysine.
Molecular consequence: missense variant.
Genome position (GRCh38, 1-based): chr3:142,512,280, C>T on the plus strand (G>A on the coding strand, the complement: ATR is on the minus strand). VCF-style: chr3-142512280-C-T. GRCh37 (hg19) VCF-style: chr3-142231122-C-T.
Other names: c.4640G>A, p.Arg1547Lys (NM_001354579.2); short protein forms R1547K, R1611K.
Identifiers: ClinVar variation 3463359 (VCV003463359.1).